The following is an entry in ClinVar:

NM_031220.4(PITPNM3):c.706G>A (p.Val236Ile)

Gene: PITPNM3 (PITPNM family member 3; minus strand). Cytogenetic location: 17p13.2.
Variant type: single nucleotide variant.
Coding change: c.706G>A on transcript NM_031220.4 (MANE Select); coding-DNA position 706, G replaced by A.
Protein change: p.Val236Ile; replaces valine 236 with isoleucine.
Molecular consequence: missense variant.
Genome position (GRCh38, 1-based): chr17:6,478,618, C>T on the plus strand (G>A on the coding strand, the complement: PITPNM3 is on the minus strand). VCF-style: chr17-6478618-C-T. GRCh37 (hg19) VCF-style: chr17-6381938-C-T.
Other names: c.598G>A, p.Val200Ile (NM_001165966.2); c.706G>A (NM_031220.3); short protein forms V200I, V236I.
Identifiers: ClinVar variation 1061048 (VCV001061048.8), dbSNP rs752312346, ClinGen allele CA8329765.

ClinVar aggregate classification (germline): Uncertain significance. Review status: criteria provided, multiple submitters, no conflicts (2 of 4 stars). 2 submissions from 2 submitters: Uncertain significance (2). Last evaluated 2026-01-19.

Allele frequency attached by ClinVar (database versions not stated): gnomAD 0.00002; gnomAD exomes 0.00002 and 0.00004; TOPMed 0.00002; ExAC 0.00007.
gnomAD v4.1: 27 of 1,613,962 alleles (0.0017%); highest among the groups gnomAD compares: Admixed American, 0.013%; no homozygotes.

Submissions (2):

Labcorp Genetics (formerly Invitae), Labcorp
Classification: Uncertain significance. Last evaluated: 2026-01-19. Review status: criteria provided, single submitter. Criteria: Invitae Variant Classification Sherloc (09022015). Collection method: clinical testing. Allele origin: germline.
Comment: This sequence change replaces valine, which is neutral and non-polar, with isoleucine, which is neutral and non-polar, at codon 236 of the PITPNM3 protein (p.Val236Ile). This variant is present in population databases (rs752312346, gnomAD 0.02%). This variant has not been reported in the literature in individuals affected with PITPNM3-related conditions. ClinVar contains an entry for this variant (Variation ID: 1061048). Invitae Evidence Modeling of protein sequence and biophysical properties (such as structural, functional, and spatial information, amino acid conservation, physicochemical variation, residue mobility, and thermodynamic stability) indicates that this missense variant is not expected to disrupt PITPNM3 protein function with a negative predictive value of 80%. In summary, the available evidence is currently insufficient to determine the role of this variant in disease. Therefore, it has been classified as a Variant of Uncertain Significance.

Ambry Genetics
Classification: Uncertain significance. Last evaluated: 2024-11-24. Review status: criteria provided, single submitter. Criteria: Ambry Variant Classification Scheme 2023. Collection method: clinical testing. Allele origin: germline.